The following is an entry in ClinVar:

ClinVar aggregate classification (germline): Pathogenic (1 of 4 stars; one submission).

Submission:

Labcorp Genetics (formerly Invitae), Labcorp
Classification: Pathogenic. Last evaluated: 2025-02-10. Review status: criteria provided, single submitter. Criteria: Invitae Variant Classification Sherloc (09022015). Collection method: clinical testing. Allele origin: germline.
Comment: This sequence change creates a premature translational stop signal (p.Tyr210Leufs*45) in the C2 gene. It is expected to result in an absent or disrupted protein product. Loss-of-function variants in C2 are known to be pathogenic (PMID: 1577763, 9616367). This variant is not present in population databases (gnomAD no frequency). This variant has not been reported in the literature in individuals affected with C2-related conditions. For these reasons, this variant has been classified as Pathogenic.

Literature cited by the submitters: PubMed 1577763; PubMed 9616367.

NM_000063.6(C2):c.626_627dup (p.Tyr210fs)

Gene: C2 (complement C2; plus strand). Cytogenetic location: 6p21.33.
Variant type: Microsatellite.
Coding change: c.626_627dup on transcript NM_000063.6 (MANE Select); coding-DNA positions 626 to 627, 2 bases duplicated (CT; older notation c.626_627dupCT).
Protein change: p.Tyr210fs; shifts the reading frame from tyrosine 210.
Molecular consequence: frameshift variant. On other transcripts: intron variant (1).
Genome position (GRCh38, 1-based): chr6:31,933,876-31,933,877, CT duplicated; duplicating any 2 consecutive bases within chr6:31,933,874-31,933,877 gives the same sequence; the c. name uses the placement nearest the transcript's 3' end. VCF-style (leftmost placement, unchanged base first): chr6-31933873-A-ACT. GRCh37 (hg19) VCF-style: chr6-31901650-A-ACT.
Other names: c.230_231dup, p.Tyr78fs (NM_001145903.3); c.257_258dup, p.Tyr87fs (NM_001178063.3); c.539_540dup, p.Tyr181fs (NM_001282458.2); c.626_627dup, p.Tyr210fs (NM_001282459.2); c.111+91CT[3] (NM_001282457.2); short protein forms Y210fs, Y78fs, Y87fs, Y181fs.
Identifiers: ClinVar variation 4781380 (VCV004781380.1).